The following is an entry in ClinVar:

NM_004984.4(KIF5A):c.820-19G>T

Gene: KIF5A (kinesin family member 5A; plus strand). Cytogenetic location: 12q13.3.
Variant type: single nucleotide variant.
Coding change: c.820-19G>T on transcript NM_004984.4 (MANE Select); 19 bases into the intron before coding-DNA position 820, G replaced by T.
Molecular consequence: intron variant.
Genome position (GRCh38, 1-based): chr12:57,569,237, G>T. VCF-style: chr12-57569237-G-T. GRCh37 (hg19) VCF-style: chr12-57963020-G-T.
Other names: c.553-19G>T (NM_001354705.2).
Identifiers: ClinVar variation 382750 (VCV000382750.22), dbSNP rs181688415, ClinGen allele CA6652697.
Genomic context (GRCh38, chr12:57,569,237, plus strand): 5'-GGTGGCACCACTATCCTTTCTGATTCCCTGTTGAATTTTATTTGTTTATTTCTGATTCCT[G>T]GTCTCCTTCCTCCCCCAGAAAAGCTATGTTCCATATCGTGACAGCAAAATGACAAGGATT-3'

ClinVar aggregate classification (germline): Benign/Likely benign. Review status: criteria provided, multiple submitters, no conflicts (2 of 4 stars). 5 submissions from 5 submitters: Benign (3); Likely benign (2). Last evaluated 2026-02-03.

Conditions:
Spastic paraplegia. Identifiers: MedGen C0037772, HP:0001258.

Allele frequency attached by ClinVar (database versions not stated): 1000 Genomes Project 0.00339; 1000 Genomes Project 30x 0.00359; TOPMed 0.00649; gnomAD 0.00736 and 0.00740; gnomAD exomes 0.00789 and 0.01163; ExAC 0.00810; ESP Exome Variant Server 0.00830.
gnomAD v4.1: 17,987 of 1,613,140 alleles (1.1%); highest among the groups gnomAD compares: Non-Finnish European, 1.3%; 133 homozygotes.

Submissions (5):

Labcorp Genetics (formerly Invitae), Labcorp
Classification: Benign for Spastic paraplegia. Last evaluated: 2026-02-03. Review status: criteria provided, single submitter. Criteria: Invitae Variant Classification Sherloc (09022015). Collection method: clinical testing. Allele origin: germline.

ARUP Laboratories, Molecular Genetics and Genomics, ARUP Laboratories
Classification: Benign. Last evaluated: 2025-05-11. Review status: criteria provided, single submitter. Criteria: ARUP Molecular Germline Variant Investigation Process 2024. Collection method: clinical testing. Allele origin: germline.

Center for Pediatric Genomic Medicine, Children's Mercy Hospital and Clinics
Classification: Likely benign. Last evaluated: 2017-09-18. Review status: criteria provided, single submitter. Criteria: ACMG Guidelines, 2015. Collection method: clinical testing. Allele origin: germline.

GeneDx
Classification: Benign. Last evaluated: 2016-01-30. Review status: criteria provided, single submitter. Criteria: GeneDx Variant Classification (06012015). Collection method: clinical testing. Allele origin: germline. Affected: yes.
Comment: This variant is considered likely benign or benign based on one or more of the following criteria: it is a conservative change, it occurs at a poorly conserved position in the protein, it is predicted to be benign by multiple in silico algorithms, and/or has population frequency not consistent with disease.

Breakthrough Genomics
Classification: Likely benign. Review status: criteria provided, single submitter. Criteria: ACMG Guidelines, 2015. Collection method: not provided. Allele origin: germline. Inheritance: Autosomal dominant inheritance. Affected: yes.